The following is an entry in ClinVar:

ClinVar aggregate classification (germline): Uncertain significance (1 of 4 stars; one submission).

Submission:

GeneDx
Classification: Uncertain significance. Last evaluated: 2019-12-24. Review status: criteria provided, single submitter. Criteria: GeneDx Variant Classification Process June 2021. Collection method: clinical testing. Allele origin: germline. Affected: yes.
Comment: Not observed in large population cohorts (Lek et al., 2016); In silico analysis, which includes protein predictors and evolutionary conservation, supports that this variant does not alter protein structure/function; Has not been previously published as pathogenic or benign to our knowledge

NM_021926.4(ALX4):c.166G>A (p.Gly56Arg)

Gene: ALX4 (ALX homeobox 4; minus strand). Cytogenetic location: 11p11.2.
Variant type: single nucleotide variant.
Coding change: c.166G>A on transcript NM_021926.4 (MANE Select); coding-DNA position 166, G replaced by A.
Protein change: p.Gly56Arg; replaces glycine 56 with arginine.
Molecular consequence: missense variant.
Genome position (GRCh38, 1-based): chr11:44,309,897, C>T on the plus strand (G>A on the coding strand, the complement: ALX4 is on the minus strand). VCF-style: chr11-44309897-C-T. GRCh37 (hg19) VCF-style: chr11-44331447-C-T.
Other names: short protein forms G56R.
Identifiers: ClinVar variation 1311619 (VCV001311619.2), dbSNP rs2119925413, ClinGen allele CA380416433.